The following is an entry in ClinVar:

ClinVar aggregate classification (germline): Uncertain significance (1 of 4 stars; one submission).

Conditions:
Epidermolysis bullosa simplex with nail dystrophy (EBS5D). Identifiers: MedGen C4225309, MONDO:0014661, OMIM 616487.
Epidermolysis bullosa simplex, Ogna type (EBS5A). Also called: Pidermolysis bullosa simplex 5A, Ogna type; EPIDERMOLYSIS BULLOSA SIMPLEX 5A, OGNA TYPE. Identifiers: Orphanet 79401, MedGen C0432317, MONDO:0007555, OMIM 131950.
Autosomal recessive limb-girdle muscular dystrophy type 2Q (LGMDR17). Also called: MUSCULAR DYSTROPHY, LIMB-GIRDLE, AUTOSOMAL RECESSIVE 17. Identifiers: Orphanet 254361, MedGen C3150989, MONDO:0013390, OMIM 613723.
Epidermolysis bullosa simplex 5C, with pyloric atresia (EBS5C). Also called: PLEC-Related Epidermolysis Bullosa with Pyloric Atresia; Epidermolysis bullosa simplex with pyloric atresia; PLEC1-Related Epidermolysis Bullosa with Pyloric Atresia. Identifiers: Orphanet 158684, MedGen C2677349, MONDO:0012807, OMIM 612138.
Epidermolysis bullosa simplex 5B, with muscular dystrophy (EBS5B). Also called: EPIDERMOLYSIS BULLOSA SIMPLEX AND LIMB-GIRDLE MUSCULAR DYSTROPHY; Epidermolysis bullosa simplex with muscular dystrophy. Identifiers: Orphanet 257, MedGen C2931072, MONDO:0009181, OMIM 226670.

Allele frequency attached by ClinVar (database versions not stated): gnomAD exomes below 0.00001 and 0.00001; ExAC 0.00001; gnomAD 0.00004; TOPMed 0.00004.
gnomAD v4.1: 14 of 1,596,686 alleles (0.00088%); highest among the groups gnomAD compares: African/African-American, 0.008%; no homozygotes.

Submission:

Labcorp Genetics (formerly Invitae), Labcorp
Classification: Uncertain significance for Autosomal recessive limb-girdle muscular dystrophy type 2Q; Epidermolysis bullosa simplex, Ogna type; Epidermolysis bullosa simplex with nail dystrophy; Epidermolysis bullosa simplex 5C, with pyloric atresia; Epidermolysis bullosa simplex 5B, with muscular dystrophy. Last evaluated: 2024-09-21. Review status: criteria provided, single submitter. Criteria: Invitae Variant Classification Sherloc (09022015). Collection method: clinical testing. Allele origin: germline.
Comment: This sequence change replaces glutamic acid, which is acidic and polar, with lysine, which is basic and polar, at codon 1891 of the PLEC protein (p.Glu1891Lys). This variant is present in population databases (rs782434552, gnomAD 0.008%). This variant has not been reported in the literature in individuals affected with PLEC-related conditions. ClinVar contains an entry for this variant (Variation ID: 471611). Experimental studies and prediction algorithms are not available or were not evaluated, and the functional significance of this variant is currently unknown. In summary, the available evidence is currently insufficient to determine the role of this variant in disease. Therefore, it has been classified as a Variant of Uncertain Significance.

NM_201384.3(PLEC):c.5590G>A (p.Glu1864Lys)

Gene: PLEC (plectin; minus strand). Cytogenetic location: 8q24.3.
Variant type: single nucleotide variant.
Coding change: c.5590G>A on transcript NM_201384.3 (MANE Select); coding-DNA position 5590, G replaced by A.
Protein change: p.Glu1864Lys; replaces glutamic acid 1864 with lysine.
Molecular consequence: missense variant.
Genome position (GRCh38, 1-based): chr8:143,924,339, C>T on the plus strand (G>A on the coding strand, the complement: PLEC is on the minus strand). VCF-style: chr8-143924339-C-T. GRCh37 (hg19) VCF-style: chr8-144998507-C-T.
Other names: c.5671G>A, p.Glu1891Lys (NM_000445.5); c.5548G>A, p.Glu1850Lys (NM_201378.4); c.5524G>A, p.Glu1842Lys (NM_201379.3); c.6001G>A, p.Glu2001Lys (NM_201380.4); c.5494G>A, p.Glu1832Lys (NM_201381.3); c.5590G>A, p.Glu1864Lys (NM_201382.4); c.5602G>A, p.Glu1868Lys (NM_201383.3); short protein forms E2001K, E1868K, E1864K, E1891K, E1832K, E1842K, E1850K.
Identifiers: ClinVar variation 471611 (VCV000471611.5), dbSNP rs782434552, ClinGen allele CA4926314.
Genomic context (GRCh38, chr8:143,924,339, plus strand): 5'-CCTGCTCCTCCAGCCGCCGCCGCTGGAAGGCCTCGTCCTCCGCCAGCCGCCGCAGGCGCT[C>T]GTTCTCCGCCTCCTTCTCCTTGAGCGCGATCTCCGCCTCCGTCTTGAGCCGCGTGGCCTC-3'
Protein context (NP_958786.1, residues 1854-1874): IALKEKEAEN[Glu1864Lys]RLRRLAEDEA